The following is an entry in ClinVar:

NM_172245.4(CSF2RA):c.50C>G (p.Ala17Gly)

Gene: CSF2RA (colony stimulating factor 2 receptor subunit alpha; plus strand). Cytogenetic location: Xp22.33.
Variant type: single nucleotide variant.
Coding change: c.50C>G on transcript NM_172245.4 (MANE Select); coding-DNA position 50, C replaced by G.
Protein change: p.Ala17Gly; replaces alanine 17 with glycine.
Molecular consequence: missense variant. On other transcripts: 5 prime UTR variant (1), non-coding transcript variant (1).
Genome position (GRCh38, 1-based): chrX:1,282,753, C>G. VCF-style: chrX-1282753-C-G. GRCh37 (hg19) VCF-style: chrX-1401646-C-G.
Other names: c.50C>G, p.Ala17Gly (NM_001161529.2, NM_001161530.2, NM_001161531.2 and 20 more transcripts); c.-207C>G (NM_001161532.2); c.50C>G (NM_006140.5); short protein forms A17G.
Identifiers: ClinVar variation 178714 (VCV000178714.21), dbSNP rs67006588, ClinGen allele CA182842.

ClinVar aggregate classification (germline): Benign/Likely benign. Review status: criteria provided, multiple submitters, no conflicts (2 of 4 stars). 7 submissions from 7 submitters: Benign (5); Likely benign (1). 1 of the submissions does not count toward it. Last evaluated 2026-08-05.

Conditions:
CSF2RA-related disorder. Also called: CSF2RA-related condition.
Surfactant metabolism dysfunction, pulmonary, 4 (SMDP4). Also called: CSF2RA DEFICIENCY; PAP DUE TO CSF2RA DEFICIENCY; PULMONARY ALVEOLAR PROTEINOSIS, CONGENITAL, 4. Identifiers: Orphanet 264675, MedGen C2677877, MONDO:0010424, OMIM 300770.

Allele frequency attached by ClinVar (database versions not stated): gnomAD exomes 0.07815; ExAC 0.08842; gnomAD 0.19554 and 0.20721; TOPMed 0.21472; 1000 Genomes Project 0.21483; ESP Exome Variant Server 0.22234; 1000 Genomes Project 30x 0.22539.
gnomAD v4.1: 107,102 of 1,613,236 alleles (6.6%); highest among the groups gnomAD compares: African/African-American, 59%; 15,059 homozygotes.

Submissions (7):

GeneDx
Classification: Benign. Last evaluated: 2026-08-05. Review status: criteria provided, single submitter. Criteria: GeneDx Variant Classification Process June 2021. Collection method: clinical testing. Allele origin: germline.
Comment: See Variant Classification Assertion Criteria.

Labcorp Genetics (formerly Invitae), Labcorp
Classification: Benign for Surfactant metabolism dysfunction, pulmonary, 4. Last evaluated: 2026-02-02. Review status: criteria provided, single submitter. Criteria: Invitae Variant Classification Sherloc (09022015). Collection method: clinical testing. Allele origin: germline.

Blueprint Genetics
Classification: Likely benign. Last evaluated: 2024-11-28. Review status: criteria provided, single submitter. Criteria: ACMG Guidelines, 2015. Collection method: clinical testing. Allele origin: germline.

Mayo Clinic Laboratories, Mayo Clinic
Classification: Benign. Last evaluated: 2018-11-21. Review status: criteria provided, single submitter. Criteria: ACMG Guidelines, 2015. Collection method: clinical testing. Allele origin: germline. Observed: 9 variant alleles.

Laboratory for Molecular Medicine, Mass General Brigham Personalized Medicine
Classification: Benign. Last evaluated: 2013-02-21. Review status: criteria provided, single submitter. Criteria: LMM Criteria. Collection method: clinical testing. Allele origin: germline. Observed: 28 variant alleles.
Comment: Ala17Gly in exon 4 of CSF2RA: This variant is not expected to have clinical sign ificance because it has been identified in 42.5% (1874/4406) of African American chromosomes from a broad population by the NHLBI Exome Sequencing Project (dbSNP rs142270234).

Breakthrough Genomics
Classification: Benign. Review status: criteria provided, single submitter. Criteria: ACMG Guidelines, 2015. Collection method: not provided. Allele origin: germline. Inheritance: Unknown mechanism. Affected: yes.

PreventionGenetics, part of Exact Sciences
Classification: Benign for CSF2RA-related condition. Last evaluated: 2019-02-21. Review status: no assertion criteria provided. Collection method: clinical testing. Allele origin: germline. Not counted in ClinVar's aggregate classification.
Comment: This variant is classified as benign based on ACMG/AMP sequence variant interpretation guidelines (Richards et al. 2015 PMID: 25741868, with internal and published modifications).